The following is an entry in ClinVar:

NM_005751.5(AKAP9):c.665A>G (p.Asp222Gly)

Gene: AKAP9 (A-kinase anchoring protein 9; plus strand). Cytogenetic location: 7q21.2.
Variant type: single nucleotide variant.
Coding change: c.665A>G on transcript NM_005751.5 (MANE Select); coding-DNA position 665, A replaced by G.
Protein change: p.Asp222Gly; replaces aspartic acid 222 with glycine.
Molecular consequence: missense variant.
Genome position (GRCh38, 1-based): chr7:91,994,709, A>G. VCF-style: chr7-91994709-A-G. GRCh37 (hg19) VCF-style: chr7-91624023-A-G.
Other names: c.665A>G, p.Asp222Gly (NM_147185.3); short protein forms D222G.
Identifiers: ClinVar variation 1754722 (VCV001754722.7), dbSNP rs755797374, ClinGen allele CA4335878.
Genomic context (GRCh38, chr7:91,994,709, plus strand): 5'-AAAGAGATGGCATTATAACCCAGCTCACTGCTAATTTACAACAAGCAAGAAGAGAAAAGG[A>G]TGAGACAATGAGAGAATTTTTAGAGTTGACAGAACAGAGTCAAAAATTACAGATTCAATT-3'
Protein context (NP_005742.4, residues 212-232): ANLQQARREK[Asp222Gly]ETMREFLELT

ClinVar aggregate classification (germline): Conflicting classifications of pathogenicity. Review status: criteria provided, conflicting classifications (1 of 4 stars). 3 submissions from 3 submitters: Uncertain significance (2); Likely benign (1). Last evaluated 2025-08-21.

Conditions:
Long QT syndrome (LQTS). Identifiers: MedGen C0023976, MeSH D008133, MONDO:0002442. Disease mechanism: loss of function. Inheritance: Various modes of inheritance.
Cardiovascular phenotype. Identifiers: MedGen CN230736.
Long QT syndrome 11 (LQT11). Identifiers: Orphanet 101016, Orphanet 768, MedGen C2678483, MONDO:0012738, OMIM 611820.

Allele frequency attached by ClinVar (database versions not stated): ExAC 0.00001; gnomAD exomes 0.00001; TOPMed 0.00002.
gnomAD v4.1: 13 of 1,613,350 alleles (0.00081%); highest among the groups gnomAD compares: Admixed American, 0.022%; no homozygotes.

Submissions (3):

Labcorp Genetics (formerly Invitae), Labcorp
Classification: Uncertain significance for Long QT syndrome. Last evaluated: 2025-08-21. Review status: criteria provided, single submitter. Criteria: Invitae Variant Classification Sherloc (09022015). Collection method: clinical testing. Allele origin: germline.
Comment: This sequence change replaces aspartic acid, which is acidic and polar, with glycine, which is neutral and non-polar, at codon 222 of the AKAP9 protein (p.Asp222Gly). This variant is present in population databases (rs755797374, gnomAD 0.03%). This variant has not been reported in the literature in individuals affected with AKAP9-related conditions. ClinVar contains an entry for this variant (Variation ID: 1754722). An algorithm developed to predict the effect of missense changes on protein structure and function (PolyPhen-2) suggests that this variant is likely to be disruptive. In summary, the available evidence is currently insufficient to determine the role of this variant in disease. Therefore, it has been classified as a Variant of Uncertain Significance.

Ambry Genetics
Classification: Likely benign for Cardiovascular phenotype. Last evaluated: 2024-11-12. Review status: criteria provided, single submitter. Criteria: Ambry Variant Classification Scheme 2023. Collection method: clinical testing. Allele origin: germline.

Center for Genomics, Ann and Robert H. Lurie Children's Hospital of Chicago
Classification: Uncertain significance for Long QT syndrome 11. Last evaluated: 2021-03-30. Review status: criteria provided, single submitter. Criteria: ACMG Guidelines, 2015. Collection method: clinical testing. Allele origin: germline.
Comment: AKAP9 NM_005751.4 exon 6 p.Asp222Gly (c.665A>G): This variant has not been reported in the literature and is present in 0.02% (10/34490) of Latino alleles in the Genome Aggregation Database. Evolutionary conservation and computational predictive tools suggest that this variant may impact the protein. In summary, data on this variant is insufficient for disease classification. Therefore, the clinical significance of this variant is uncertain.